The following is an entry in ClinVar:

ClinVar aggregate classification (germline): Likely benign. Review status: criteria provided, single submitter (1 of 4 stars). 2 submissions from 2 submitters: Likely benign (1). 1 of the submissions does not count toward it. Last evaluated 2024-10-16.

Allele frequency attached by ClinVar (database versions not stated): 1000 Genomes Project 0.00080; ExAC 0.00097; gnomAD 0.00014 and 0.00034; ESP Exome Variant Server 0.00016; TOPMed 0.00019; gnomAD exomes 0.00045 and 0.00075; 1000 Genomes Project 30x 0.00062.
gnomAD v4.1: 707 of 1,593,580 alleles (0.044%); highest among the groups gnomAD compares: South Asian, 0.52%; 5 homozygotes.

Submissions (2):

Blueprint Genetics
Classification: Likely benign. Last evaluated: 2024-10-16. Review status: criteria provided, single submitter. Criteria: ACMG Guidelines, 2015. Collection method: clinical testing. Allele origin: germline.

ITMI
No classification provided. Condition: AllHighlyPenetrant. Last evaluated: 2013-09-19. Review status: no classification provided. Collection method: reference population. Allele origin: germline. Not counted in ClinVar's aggregate classification.
Comment: Please see associated publication for description of ethnicities

Literature cited by the submitters: PubMed 24728327 (cited by ITMI).

NM_000534.5(PMS1):c.1001C>T (p.Thr334Met)

Gene: PMS1 (PMS1 homolog 1, mismatch repair system component; plus strand). Cytogenetic location: 2q32.2.
Variant type: single nucleotide variant.
Coding change: c.1001C>T on transcript NM_000534.5 (MANE Select); coding-DNA position 1001, C replaced by T.
Protein change: p.Thr334Met; replaces threonine 334 with methionine.
Molecular consequence: missense variant. On other transcripts: non-coding transcript variant (1).
Genome position (GRCh38, 1-based): chr2:189,854,273, C>T. VCF-style: chr2-189854273-C-T. GRCh37 (hg19) VCF-style: chr2-190718999-C-T.
Other names: c.884C>T, p.Thr295Met (NM_001128143.2, NM_001321044.2); c.1001C>T, p.Thr334Met (NM_001128144.2, NM_001321045.2, NM_001321047.2 and 1 more transcripts); c.473C>T, p.Thr158Met (NM_001289408.2, NM_001289409.2); c.818C>T, p.Thr273Met (NM_001321046.2); short protein forms T334M, T158M, T273M, T295M.
Identifiers: ClinVar variation 135052 (VCV000135052.2), dbSNP rs147084726, ClinGen allele CA161528.
Genomic context (GRCh38, chr2:189,854,273, plus strand): 5'-TAACATTTGTTAATTTGTATTTTTAGGAATCTGTTTTAATTGCTCTTGAAAATCTGATGA[C>T]GACTTGTTATGGACCATTACCTAGTACAAATTCTTATGAAAATAATAAAACAGATGTTTC-3'
Protein context (NP_000525.1, residues 324-344): SVLIALENLM[Thr334Met]TCYGPLPSTN